The following is an entry in ClinVar:

NM_006208.3(ENPP1):c.796-2A>G

Gene: ENPP1 (ectonucleotide pyrophosphatase/phosphodiesterase 1; plus strand). Cytogenetic location: 6q23.2.
Variant type: single nucleotide variant.
Coding change: c.796-2A>G on transcript NM_006208.3 (MANE Select); the canonical splice acceptor site of the intron before coding-DNA position 796, A replaced by G.
Molecular consequence: splice acceptor variant.
Genome position (GRCh38, 1-based): chr6:131,860,385, A>G. VCF-style: chr6-131860385-A-G. GRCh37 (hg19) VCF-style: chr6-132181525-A-G.
Identifiers: ClinVar variation 1526268 (VCV001526268.2), dbSNP rs2483477141, ClinGen allele CA365667403.
Genomic context (GRCh38, chr6:131,860,385, plus strand): 5'-CTGTGAATGTATTTAACATTAAGTAAACACAACTTGCATATAATCTGTTTTATCTTTTTT[A>G]GGGATTGTATCCAGAATCTCATGGCATAATCGACAATAAAATGTATGATCCCAAAATGAA-3'

ClinVar aggregate classification (germline): Likely pathogenic (1 of 4 stars; one submission).

Submission:

GeneDx
Classification: Likely pathogenic. Last evaluated: 2021-12-20. Review status: criteria provided, single submitter. Criteria: GeneDx Variant Classification Process June 2021. Collection method: clinical testing. Allele origin: germline. Affected: yes.
Comment: Canonical splice site variant predicted to result in an in-frame deletion of a critical region; Not observed in large population cohorts (gnomAD); Has not been previously published as pathogenic or benign to our knowledge